The following is an entry in ClinVar:

ClinVar aggregate classification (germline): Conflicting classifications of pathogenicity. Review status: criteria provided, conflicting classifications (1 of 4 stars). 5 submissions from 5 submitters: Uncertain significance (2); Likely benign (2). 1 of the submissions does not count toward it. Last evaluated 2025-12-22.

Conditions:
SIL1-related disorder. Also called: SIL1-related condition.
Marinesco-Sjögren syndrome (MSS). Also called: Marinesco-SjÃ¶gren syndrome; Marinesco-Sjogren Syndrome. Identifiers: Orphanet 559, MedGen C0024814, MONDO:0009567, OMIM 248800.

Allele frequency attached by ClinVar (database versions not stated): gnomAD exomes 0.00008 and 0.00020; ExAC 0.00031; gnomAD 0.00070 and 0.00073; TOPMed 0.00079; ESP Exome Variant Server 0.00115; 1000 Genomes Project 0.00160; 1000 Genomes Project 30x 0.00203.
gnomAD v4.1: 231 of 1,613,336 alleles (0.014%); highest among the groups gnomAD compares: African/African-American, 0.24%; no homozygotes.

Submissions (5):

Labcorp Genetics (formerly Invitae), Labcorp
Classification: Likely benign for Marinesco-Sjögren syndrome. Last evaluated: 2025-12-22. Review status: criteria provided, single submitter. Criteria: Invitae Variant Classification Sherloc (09022015). Collection method: clinical testing. Allele origin: germline.

PreventionGenetics, part of Exact Sciences
Classification: Likely benign for SIL1-related condition. Last evaluated: 2024-10-29. Review status: criteria provided, single submitter. Criteria: ACMG Guidelines, 2015. Collection method: clinical testing. Allele origin: germline.
Comment: This variant is classified as likely benign based on ACMG/AMP sequence variant interpretation guidelines (Richards et al. 2015 PMID: 25741868, with internal and published modifications).

Revvity Omics, Revvity
Classification: Uncertain significance for Marinesco-Sjögren syndrome. Last evaluated: 2023-01-27. Review status: criteria provided, single submitter. Criteria: ACMG Guidelines, 2015. Collection method: clinical testing. Allele origin: germline.

Genomic Diagnostic Laboratory, Division of Genomic Diagnostics, Children's Hospital of Philadelphia
Classification: Uncertain significance. Last evaluated: 2015-07-17. Review status: criteria provided, single submitter. Criteria: DGD Variant Analysis Guidelines. Collection method: clinical testing. Allele origin: unknown.

Department of Pathology and Laboratory Medicine, Sinai Health System
Classification: Uncertain significance for Marinesco-Sjögren syndrome. Review status: no assertion criteria provided. Collection method: clinical testing. Allele origin: unknown. Affected: yes. Study: The Canadian Open Genetics Repository (COGR). Not counted in ClinVar's aggregate classification.
Comment: The SIL1 p.E347K variant was not identified in the literature but was identified in dbSNP (ID: rs73265454) and ClinVar (classified as likely benign by Invitae and as uncertain significance by Children's Hospital of Philadelphia). The variant was identified in control databases in 69 of 276370 chromosomes at a frequency of 0.0002497, and was observed at the highest frequency in the African population in 65 of 24724 chromosomes (freq: 0.002629) (Genome Aggregation Database March 6, 2019, v2.1.1). The p.E347 residue is conserved in mammals however computational analyses (MUT Assesor, PolyPhen-2, SIFT, MutationTaster, Revel, FATHMM, MetaLR, DANN) do not suggest a high likelihood of impact to the protein; this information is not very predictive of pathogenicity. The variant occurs outside of the splicing consensus sequence and in silico or computational prediction software programs (Splice AI exome) do not predict a difference in splicing. In summary, based on the above information the clinical significance of this variant cannot be determined with certainty at this time. This variant is classified as a variant of uncertain significance.

NM_022464.5(SIL1):c.1039G>A (p.Glu347Lys)

Gene: SIL1 (SIL1 nucleotide exchange factor; minus strand). Cytogenetic location: 5q31.2.
Variant type: single nucleotide variant.
Coding change: c.1039G>A on transcript NM_022464.5 (MANE Select); coding-DNA position 1039, G replaced by A.
Protein change: p.Glu347Lys; replaces glutamic acid 347 with lysine.
Molecular consequence: missense variant.
Genome position (GRCh38, 1-based): chr5:138,947,464, C>T on the plus strand (G>A on the coding strand, the complement: SIL1 is on the minus strand). VCF-style: chr5-138947464-C-T. GRCh37 (hg19) VCF-style: chr5-138283153-C-T.
Other names: c.1039G>A, p.Glu347Lys (NM_001037633.2); short protein forms E347K.
Identifiers: ClinVar variation 218488 (VCV000218488.18), dbSNP rs73265454, ClinGen allele CA248870.